The following is an entry in ClinVar:

NM_001388492.1(HTT):c.3196A>G (p.Met1066Val)

Gene: HTT (huntingtin; plus strand). Cytogenetic location: 4p16.3.
Variant type: single nucleotide variant.
Coding change: c.3196A>G on transcript NM_001388492.1 (MANE Select); coding-DNA position 3196, A replaced by G.
Protein change: p.Met1066Val; replaces methionine 1066 with valine.
Molecular consequence: missense variant.
Genome position (GRCh38, 1-based): chr4:3,146,849, A>G. VCF-style: chr4-3146849-A-G. GRCh37 (hg19) VCF-style: chr4-3148576-A-G.
Other names: c.3202A>G, p.Met1068Val (NM_002111.8); short protein forms M1066V, M1068V.
Identifiers: ClinVar variation 1445811 (VCV001445811.6), dbSNP rs1158477278, ClinGen allele CA356098264.

ClinVar aggregate classification (germline): Uncertain significance (1 of 4 stars; one submission).

Allele frequency attached by ClinVar (database versions not stated): gnomAD exomes below 0.00001; TOPMed 0.00002.

Submission:

Labcorp Genetics (formerly Invitae), Labcorp
Classification: Uncertain significance. Last evaluated: 2024-03-04. Review status: criteria provided, single submitter. Criteria: Invitae Variant Classification Sherloc (09022015). Collection method: clinical testing. Allele origin: germline.
Comment: This sequence change replaces methionine, which is neutral and non-polar, with valine, which is neutral and non-polar, at codon 1068 of the HTT protein (p.Met1068Val). This variant is not present in population databases (gnomAD no frequency). This variant has not been reported in the literature in individuals affected with HTT-related conditions. ClinVar contains an entry for this variant (Variation ID: 1445811). Experimental studies and prediction algorithms are not available or were not evaluated, and the functional significance of this variant is currently unknown. In summary, the available evidence is currently insufficient to determine the role of this variant in disease. Therefore, it has been classified as a Variant of Uncertain Significance.